The following is an entry in ClinVar:

ClinVar aggregate classification (germline): Conflicting classifications of pathogenicity. Review status: criteria provided, conflicting classifications (1 of 4 stars). 4 submissions from 4 submitters: Uncertain significance (1); Likely benign (3). Last evaluated 2026-01-22.

Conditions:
RAG1-related disorder. Also called: RAG1-related condition; RAG1-related disorders.
Severe combined immunodeficiency, autosomal recessive, T cell-negative, B cell-negative, NK cell-positive. Also called: SCID, AR, T-cell negative, B-cell negative, NK cell-positive; Severe combined immunodeficiency due to complete RAG1/2 deficiency; SCID, T CELL-NEGATIVE, B CELL-NEGATIVE, NK CELL-POSITIVE. Identifiers: Orphanet 331206, MedGen C1832322, MONDO:0011086, OMIM 601457.
Combined immunodeficiency with skin granulomas. Identifiers: Orphanet 157949, MedGen C2673536, MONDO:0009306, OMIM 233650.

Allele frequency attached by ClinVar (database versions not stated): ExAC 0.00002; gnomAD 0.00002; TOPMed 0.00002.
gnomAD v4.1: 42 of 1,614,028 alleles (0.0026%); highest among the groups gnomAD compares: Middle Eastern, 0.25%; no homozygotes.

Submissions (4):

PreventionGenetics, part of Exact Sciences
Classification: Likely benign for RAG1-related condition. Last evaluated: 2026-01-22. Review status: criteria provided, single submitter. Criteria: ACMG Guidelines, 2015. Collection method: clinical testing. Allele origin: germline.
Comment: This variant is classified as likely benign based on ACMG/AMP sequence variant interpretation guidelines (Richards et al. 2015 PMID: 25741868, with internal and published modifications).

Labcorp Genetics (formerly Invitae), Labcorp
Classification: Likely benign for Combined immunodeficiency with skin granulomas; Severe combined immunodeficiency, autosomal recessive, T cell-negative, B cell-negative, NK cell-positive. Last evaluated: 2025-11-04. Review status: criteria provided, single submitter. Criteria: Invitae Variant Classification Sherloc (09022015). Collection method: clinical testing. Allele origin: germline.

Blueprint Genetics
Classification: Likely benign. Last evaluated: 2024-11-01. Review status: criteria provided, single submitter. Criteria: ACMG Guidelines, 2015. Collection method: clinical testing. Allele origin: germline.

Breakthrough Genomics
Classification: Uncertain significance. Review status: criteria provided, single submitter. Criteria: ACMG Guidelines, 2015. Collection method: not provided. Allele origin: germline. Inheritance: Autosomal recessive inheritance. Affected: yes.

NM_000448.3(RAG1):c.378A>G (p.Arg126=)

Gene: RAG1 (recombination activating 1; plus strand). Cytogenetic location: 11p12.
Variant type: single nucleotide variant.
Coding change: c.378A>G on transcript NM_000448.3 (MANE Select); coding-DNA position 378, A replaced by G.
Protein change: p.Arg126=; no amino-acid change (arginine 126 retained).
Molecular consequence: synonymous variant.
Genome position (GRCh38, 1-based): chr11:36,573,682, A>G. VCF-style: chr11-36573682-A-G. GRCh37 (hg19) VCF-style: chr11-36595232-A-G.
Other names: c.378A>G (NM_000448.2); c.378A>G, p.Arg126= (NM_001377277.1, NM_001377278.1, NM_001377279.1 and 1 more transcripts).
Identifiers: ClinVar variation 1371269 (VCV001371269.9), dbSNP rs748499180, ClinGen allele CA5949972.